The following is an entry in ClinVar:

ClinVar aggregate classification (germline): Uncertain significance. Review status: criteria provided, multiple submitters, no conflicts (2 of 4 stars). 2 submissions from 2 submitters: Uncertain significance (2). Last evaluated 2025-11-20.

Allele frequency attached by ClinVar (database versions not stated): gnomAD exomes below 0.00001 and 0.00001; ExAC 0.00001.
gnomAD v4.1: 5 of 1,614,086 alleles (0.00031%); highest among the groups gnomAD compares: African/African-American, 0.0013%; no homozygotes.

Submissions (2):

Labcorp Genetics (formerly Invitae), Labcorp
Classification: Uncertain significance. Last evaluated: 2025-11-20. Review status: criteria provided, single submitter. Criteria: Invitae Variant Classification Sherloc (09022015). Collection method: clinical testing. Allele origin: germline.
Comment: This sequence change creates a premature translational stop signal (p.Gln1411*) in the SMARCA2 gene. It is expected to result in an absent or disrupted protein product. However, the current clinical and genetic evidence is not sufficient to establish whether loss-of-function variants in SMARCA2 cause disease. This variant is present in population databases (rs752254761, gnomAD 0.003%). This variant has not been reported in the literature in individuals affected with SMARCA2-related conditions. ClinVar contains an entry for this variant (Variation ID: 1698488). Algorithms developed to predict the effect of sequence changes on RNA splicing suggest that this variant may disrupt the consensus splice site. In summary, the available evidence is currently insufficient to determine the role of this variant in disease. Therefore, it has been classified as a Variant of Uncertain Significance.

Women's Health and Genetics/Laboratory Corporation of America, LabCorp
Classification: Uncertain significance. Last evaluated: 2022-06-06. Review status: criteria provided, single submitter. Criteria: LabCorp Variant Classification Summary - May 2015. Collection method: clinical testing. Allele origin: germline.
Comment: Variant summary: SMARCA2 c.4231C>T (p.Gln1411X) results in a premature termination codon, predicted to cause a truncation of the encoded protein or absence of the protein due to nonsense mediated decay. Other truncating variants in this gene have not been reported in HGMD or as pathogenic via ClinVar, therefore it is unclear if loss-of-function is a mechanism of disease for this gene. The variant allele was found at a frequency of 1.2e-05 in 251410 control chromosomes. To our knowledge, no occurrence of c.4231C>T in individuals affected with Nicolaides-Baraitser Syndrome and no experimental evidence demonstrating its impact on protein function have been reported. No clinical diagnostic laboratories have submitted clinical-significance assessments for this variant to ClinVar after 2014. Based on the evidence outlined above, the variant was classified as VUS.

NM_003070.5(SMARCA2):c.4231C>T (p.Gln1411Ter)

Gene: SMARCA2 (SWI/SNF related BAF chromatin remodeling complex subunit ATPase 2; plus strand). Cytogenetic location: 9p24.3.
Variant type: single nucleotide variant.
Coding change: c.4231C>T on transcript NM_003070.5 (MANE Select); coding-DNA position 4231, C replaced by T.
Protein change: p.Gln1411Ter; replaces glutamine 1411 with a stop codon.
Molecular consequence: nonsense. On other transcripts: intron variant (5).
Genome position (GRCh38, 1-based): chr9:2,170,450, C>T. VCF-style: chr9-2170450-C-T. GRCh37 (hg19) VCF-style: chr9-2170450-C-T.
Other names: c.4231C>T, p.Gln1411Ter (NM_001289396.2); c.4199+8547C>T (NM_139045.4); c.4025+8547C>T (NM_001289397.2); c.227+8547C>T (NM_001289398.2); c.317+8547C>T (NM_001289400.2); c.311+8547C>T (NM_001289399.2); short protein forms Q1411*.
Identifiers: ClinVar variation 1698488 (VCV001698488.2), dbSNP rs752254761, ClinGen allele CA4964067.